The following continues an entry in ClinVar:

NM_000059.4(BRCA2):c.7480C>T (p.Arg2494Ter)

Gene: BRCA2. ClinVar aggregate classification (germline): Pathogenic. Pathogenic (1).

Submissions 10 to 20 of 39:

Color Diagnostics, LLC DBA Color Health
Classification: Pathogenic for Hereditary cancer-predisposing syndrome. Last evaluated: 2024-02-13. Review status: criteria provided, single submitter. Criteria: ACMG Guidelines, 2015. Collection method: clinical testing. Allele origin: germline. Not counted in ClinVar's aggregate classification.
Comment: This variant changes 1 nucleotide in exon 15 of the BRCA2 gene, creating a premature translation stop signal. This variant is expected to result in an absent or non-functional protein product. This variant has been reported in individuals affected with breast or ovarian cancer (PMID: 9361038, 16455195, 19656164, 22798144, 23199084, 24312913, 27153395, 28724667, 29020732, 29084914) or pancreatic cancer (PMID: 28782087). This variant is known to be a founder mutation in the Korean and Finnish populations (PMID: 23199084, 24312913). This variant has been identified in 8/251440 chromosomes in the general population by the Genome Aggregation Database (gnomAD). Loss of BRCA2 function is a known mechanism of disease. Based on the available evidence, this variant is classified as Pathogenic.

Quest Diagnostics Nichols Institute San Juan Capistrano
Classification: Pathogenic. Last evaluated: 2023-06-15. Review status: criteria provided, single submitter. Criteria: Quest Diagnostics criteria. Collection method: clinical testing. Allele origin: unknown. Not counted in ClinVar's aggregate classification.
Comment: The BRCA2 c.7480C>T (p.Arg2494*) variant causes the premature termination of BRCA2 protein synthesis. This variant has been reported in the published literature in individuals with breast cancer (PMID: 19656164 (2009), 29339979 (2019), 30736435 (2019), prostate cancer (PMID: 32853339 (2021)), gastric cancer (PMID: 32489267 (2020), and ovarian cancer (PMID: 29084914 (2018)). This variant is also suggested to be a founder mutation for both Korean and Finnish populations (PMIDs: 19656164 (2009) and 9361038 (1997)). The frequency of this variant in the general population, 0.00018 (4/21648 chromosomes (Genome Aggregation Database)), is consistent with pathogenicity. Based on the available information, this variant is classified as pathogenic.

KCCC/NGS Laboratory, Kuwait Cancer Control Center
Classification: Pathogenic for Breast-ovarian cancer, familial, susceptibility to, 2. Last evaluated: 2023-06-06. Review status: criteria provided, single submitter. Criteria: ACMG Guidelines, 2015. Collection method: clinical testing. Allele origin: germline. Affected: yes. Not counted in ClinVar's aggregate classification.
Comment: A pathogenic variant was detected in the BRCA2 gene. This sequence change creates a premature translational stop signal (p.Arg2494*) in the BRCA2 gene. It is expected to result in an absent or disrupted protein product. Loss-of-function variants in BRCA2 are known to be pathogenic (PMID: 20104584). This variant is present in population databases (rs80358972, gnomAD 0.02%). This premature translational stop signal variant has been reported in the heterozygous state in multiple studies of individuals with hereditary breast and/or ovarian cancer (PMID: 15548363; 15117986; 17100994; 16455195; 19656164; 19499246; 22798144; 28724667) or pancreatic cancer (PMID: 28782087).. This variant is also known as 7708C>T. ClinVar contains an entry for this variant (Variation ID: 38099) submitted by thirty clinical diagnostic laboratories after 2014 and all lab classify this variant as pathogenic . For these reasons, this variant has been classified as Pathogenic.

Revvity Omics, Revvity
Classification: Pathogenic. Last evaluated: 2022-09-01. Review status: criteria provided, single submitter. Criteria: ACMG Guidelines, 2015. Collection method: clinical testing. Allele origin: germline. Not counted in ClinVar's aggregate classification.

Sema4
Classification: Pathogenic for Hereditary cancer-predisposing syndrome. Last evaluated: 2022-03-11. Review status: criteria provided, single submitter. Criteria: Sema4 Curation Guidelines. Collection method: curation. Allele origin: germline. Not counted in ClinVar's aggregate classification.
Comment: The BRCA2 c.7480C>T (p.R2494X) variant has been reported in heterozygosity in numerous individuals with breast, ovarian, and pancreatic cancers (PMID: 9361038, 28423363, 28802053, 29339979, 30262796, 30309222, 30350268, 30736435, 33471991). It is also known as 7708C>T in the literature. This variant is a founder variant in the Finnish and Korean populations though it has been observed in multiple other populations. This nonsense variant creates a premature stop codon at residue 2494 of the BRCA2 protein. At this location, this is predicted to cause nonsense-mediated decay and result in an absent protein (loss of function). Loss of function variants in BRCA1 or BRCA2 are known to be pathogenic (PMID: 29446198). This variant was observed in 4/21648 chromosomes in the Finnish population according to the Genome Aggregation Database (PMID: 32461654). This variant has been reported in ClinVar (Variation ID: 38099). Based on the current evidence available, this variant is interpreted as pathogenic.

Fulgent Genetics
Classification: Pathogenic for Familial cancer of breast; Medulloblastoma; Familial prostate cancer; Wilms tumor 1; Fanconi anemia complementation group D1; Breast-ovarian cancer, familial, susceptibility to, 2; Glioma susceptibility 3; Pancreatic cancer, susceptibility to, 2. Last evaluated: 2021-11-21. Review status: criteria provided, single submitter. Criteria: ACMG Guidelines, 2015. Collection method: clinical testing. Allele origin: unknown. Not counted in ClinVar's aggregate classification.

Greenwood Genetic Center Diagnostic Laboratories, Greenwood Genetic Center
Classification: Pathogenic for Breast-ovarian cancer, familial, susceptibility to, 2. Last evaluated: 2021-05-27. Review status: criteria provided, single submitter. Criteria: ACMG Guidelines, 2015. Collection method: clinical testing. Allele origin: germline. Not counted in ClinVar's aggregate classification.
Comment: PVS1, PS4, PM2

GeneDx
Classification: Pathogenic. Last evaluated: 2021-01-21. Review status: criteria provided, single submitter. Criteria: GeneDx Variant Classification Process June 2021. Collection method: clinical testing. Allele origin: germline. Affected: yes. Not counted in ClinVar's aggregate classification.
Comment: Nonsense variant predicted to result in protein truncation or nonsense mediated decay in a gene for which loss-of-function is a known mechanism of disease; Observed in mutliple individuals with BRCA2-related cancers and described as a recurrent variant in both Finnish and Korean hereditary breast and ovarian cancer families (Vehmanen 1997, Seong 2009, Janavicius 2010, Kim, 2012, Kang 2015, Lee 2017, Park 2017); Truncating variants in this gene are considered pathogenic by a well-established clinical consortium and/or database; Not observed at a significant frequency in large population cohorts (Lek 2016); Also known as 7708C>T; This variant is associated with the following publications: (PMID: 26709275, 28351343, 29625052, 21735045, 25525159, 25863477, 25802882, 17100994, 19656164, 22217648, 16455195, 22970155, 22798144, 26187060, 26026974, 24312913, 23091540, 21120943, 25706666, 26733283, 27383479, 9361038, 12204006, 23199084, 26848529, 27488874, 27767231, 28127413, 29084914, 28782087, 28205045, 28802053, 29020732, 29339979, 11251181, 28724667, 28423363, 30702160, 30350268, 30287823, 28111427, 30262796, 29446198, 30720243, 30322717, 30309222, 30736435, 32853339, 32719484, 30787465)

Institute of Medical Genetics and Applied Genomics, University Hospital Tübingen
Classification: Pathogenic. Last evaluated: 2020-10-23. Review status: criteria provided, single submitter. Criteria: ACMG Guidelines, 2015. Collection method: clinical testing. Allele origin: germline. Inheritance: Unknown mechanism. Affected: yes. Not counted in ClinVar's aggregate classification.

Women's Health and Genetics/Laboratory Corporation of America, LabCorp
Classification: Pathogenic for Hereditary breast and ovarian cancer syndrome. Last evaluated: 2020-08-10. Review status: criteria provided, single submitter. Criteria: LabCorp Variant Classification Summary - May 2015. Collection method: clinical testing. Allele origin: germline. Not counted in ClinVar's aggregate classification.
Comment: Variant summary: BRCA2 c.7480C>T (p.Arg2494X) results in a premature termination codon, predicted to cause a truncation of the encoded protein or absence of the protein due to nonsense mediated decay, which are commonly known mechanisms for disease. Truncations downstream of this position have been classified as pathogenic by our laboratory. The variant allele was found at a frequency of 3.2e-05 in 251440 control chromosomes. c.7480C>T has been widely reported in the literature in multiple individuals affected with Hereditary Breast And Ovarian Cancer Syndrome (example, Kim_2012, Sarantaus_2000, Rebbeck_2018). These data indicate that the variant is very likely to be associated with disease. Fourteen clinical diagnostic laboratories and one expert panel (ENIGMA) have submitted clinical-significance assessments for this variant to ClinVar after 2014 without evidence for independent evaluation. All submitters classified the variant as pathogenic. Based on the evidence outlined above, the variant was classified as pathogenic.

Broad Center for Mendelian Genomics, Broad Institute of MIT and Harvard
Classification: Pathogenic for Breast-ovarian cancer, familial, susceptibility to, 2. Last evaluated: 2020-01-29. Review status: criteria provided, single submitter. Criteria: ACMG Guidelines, 2015. Collection method: curation. Allele origin: germline. Not counted in ClinVar's aggregate classification.
Comment: Although this variant has been seen in the general population, its frequency is low enough to be consistent with a dominant frequency for a disease that is also present in the general population. Please note that for diseases with clinical variability, or reduced penetrance, pathogenic variants may be present at a low frequency in the general population. This variant has also been reported pathogenic in ClinVar (Variation ID: 38099). This nonsense variant leads to a premature termination codon at position 2494, which is predicted to lead to a truncated or absent protein. Heterozygous loss of function of the BRCA2 gene is an established disease mechanism in breast and ovarian cancer. In summary, this variant meets criteria to be classified as pathogenic for heredity susceptibility to breast and ovarian cancer in an autosomal dominant manner based on the predicted impact of the variant and multiple occurrences with pathogenic BRCA2 variants in individuals with breast or ovarian cancer. ACMG/AMP Criteria applied: PVS1, PS4, PM2 (Richards 2015).